The following is an entry in ClinVar:

NM_152703.5(SAMD9L):c.128C>A (p.Thr43Lys)

Gene: SAMD9L (sterile alpha motif domain containing 9 like; minus strand). Cytogenetic location: 7q21.2.
Variant type: single nucleotide variant.
Coding change: c.128C>A on transcript NM_152703.5 (MANE Select); coding-DNA position 128, C replaced by A.
Protein change: p.Thr43Lys; replaces threonine 43 with lysine.
Molecular consequence: missense variant.
Genome position (GRCh38, 1-based): chr7:93,135,844, G>T on the plus strand (C>A on the coding strand, the complement: SAMD9L is on the minus strand). VCF-style: chr7-93135844-G-T. GRCh37 (hg19) VCF-style: chr7-92765157-G-T.
Other names: c.128C>A, p.Thr43Lys (NM_001303497.3, NM_001303498.3, NM_001303500.3 and 5 more transcripts); short protein forms T43K.
Identifiers: ClinVar variation 4863984 (VCV004863984.1).

ClinVar aggregate classification (germline): Uncertain significance (1 of 4 stars; one submission).

Conditions:
Inborn genetic diseases. Identifiers: MedGen C0950123, MeSH D030342.

Submission:

Ambry Genetics
Classification: Uncertain significance for Inborn genetic diseases. Last evaluated: 2026-05-04. Review status: criteria provided, single submitter. Criteria: Ambry Variant Classification Scheme 2023. Collection method: clinical testing. Allele origin: germline.
Comment: The p.T43K variant (also known as c.128C>A), located in coding exon 1 of the SAMD9L gene, results from a C to A substitution at nucleotide position 128. The threonine at codon 43 is replaced by lysine, an amino acid with similar properties. This amino acid position is conserved. In addition, the in silico prediction for this alteration is inconclusive. Based on the available evidence, the clinical significance of this variant remains unclear.